The following is an entry in ClinVar:

NM_177438.3(DICER1):c.1390G>T (p.Ala464Ser)

Gene: DICER1 (dicer 1, ribonuclease III; minus strand). Cytogenetic location: 14q32.13.
Variant type: single nucleotide variant.
Coding change: c.1390G>T on transcript NM_177438.3 (MANE Select); coding-DNA position 1390, G replaced by T.
Protein change: p.Ala464Ser; replaces alanine 464 with serine.
Molecular consequence: missense variant. On other transcripts: 5 prime UTR variant (1), non-coding transcript variant (6).
Genome position (GRCh38, 1-based): chr14:95,117,741, C>A on the plus strand (G>T on the coding strand, the complement: DICER1 is on the minus strand). VCF-style: chr14-95117741-C-A. GRCh37 (hg19) VCF-style: chr14-95584078-C-A.
Other names: c.1390G>T, p.Ala464Ser (NM_001195573.1, NM_001271282.3, NM_001291628.2 and 13 more transcripts); c.1108G>T, p.Ala370Ser (NM_001395686.1); c.985G>T, p.Ala329Ser (NM_001395687.1, NM_001395688.1, NM_001395689.1 and 3 more transcripts); c.823G>T, p.Ala275Ser (NM_001395691.1); c.-179G>T (NM_001395697.1); short protein forms A275S, A329S, A370S, A464S.
Identifiers: ClinVar variation 3229309 (VCV003229309.1), dbSNP rs2543064148, ClinGen allele CA390885674.

ClinVar aggregate classification (germline): Uncertain significance (1 of 4 stars; one submission).

Conditions:
Hereditary cancer-predisposing syndrome. Also called: Neoplastic Syndromes, Hereditary; Tumor predisposition; Hereditary neoplastic syndrome; Hereditary Cancer Syndrome. Identifiers: Orphanet 140162, MedGen C0027672, MeSH D009386, MONDO:0015356.

Submission:

Ambry Genetics
Classification: Uncertain significance for Hereditary cancer-predisposing syndrome. Last evaluated: 2023-12-25. Review status: criteria provided, single submitter. Criteria: Ambry Variant Classification Scheme 2023. Collection method: clinical testing. Allele origin: germline.
Comment: The p.A464S variant (also known as c.1390G>T), located in coding exon 8 of the DICER1 gene, results from a G to T substitution at nucleotide position 1390. The alanine at codon 464 is replaced by serine, an amino acid with similar properties. This amino acid position is conserved. In addition, this alteration is predicted to be tolerated by in silico analysis. Since supporting evidence is limited at this time, the clinical significance of this alteration remains unclear.